The following is an entry in ClinVar:

NM_015978.3(TNNI3K):c.1927A>G (p.Thr643Ala)

Genes: FPGT-TNNI3K (FPGT-TNNI3K readthrough; plus strand), TNNI3K (TNNI3 interacting kinase; plus strand). Cytogenetic location: 1p31.1.
Variant type: single nucleotide variant.
Coding change: c.1927A>G on transcript NM_015978.3 (MANE Select); coding-DNA position 1927, A replaced by G.
Protein change: p.Thr643Ala; replaces threonine 643 with alanine.
Molecular consequence: missense variant.
Genome position (GRCh38, 1-based): chr1:74,439,538, A>G. VCF-style: chr1-74439538-A-G. GRCh37 (hg19) VCF-style: chr1-74905222-A-G.
Other names: c.2230A>G, p.Thr744Ala (NM_001112808.3, NM_001199327.2); short protein forms T643A, T744A.
Identifiers: ClinVar variation 2104023 (VCV002104023.4), dbSNP rs755986609, ClinGen allele CA909518.

ClinVar aggregate classification (germline): Uncertain significance (1 of 4 stars; one submission).

Allele frequency attached by ClinVar (database versions not stated): gnomAD exomes below 0.00001; ExAC 0.00001.
gnomAD v4.1: 1 of 1,613,518 alleles (0.000062%); highest among the groups gnomAD compares: South Asian, 0.0011%; no homozygotes.

Submission:

Labcorp Genetics (formerly Invitae), Labcorp
Classification: Uncertain significance. Last evaluated: 2022-02-28. Review status: criteria provided, single submitter. Criteria: Invitae Variant Classification Sherloc (09022015). Collection method: clinical testing. Allele origin: germline.
Comment: This variant has not been reported in the literature in individuals affected with TNNI3K-related conditions. Algorithms developed to predict the effect of missense changes on protein structure and function are either unavailable or do not agree on the potential impact of this missense change (SIFT: "Deleterious"; PolyPhen-2: "Benign"; Align-GVGD: "Class C0"). In summary, the available evidence is currently insufficient to determine the role of this variant in disease. Therefore, it has been classified as a Variant of Uncertain Significance. This sequence change replaces threonine, which is neutral and polar, with alanine, which is neutral and non-polar, at codon 643 of the TNNI3K protein (p.Thr643Ala). This variant is present in population databases (rs755986609, gnomAD 0.003%).